The following is an entry in ClinVar:

NM_000875.5(IGF1R):c.607T>C (p.Tyr203His)

Gene: IGF1R (insulin like growth factor 1 receptor; plus strand). Cytogenetic location: 15q26.3.
Variant type: single nucleotide variant.
Coding change: c.607T>C on transcript NM_000875.5 (MANE Select); coding-DNA position 607, T replaced by C.
Protein change: p.Tyr203His; replaces tyrosine 203 with histidine.
Molecular consequence: missense variant.
Genome position (GRCh38, 1-based): chr15:98,708,074, T>C. VCF-style: chr15-98708074-T-C. GRCh37 (hg19) VCF-style: chr15-99251303-T-C.
Other names: c.607T>C, p.Tyr203His (NM_001291858.2); short protein forms Y203H.
Identifiers: ClinVar variation 2738643 (VCV002738643.3), dbSNP rs2053908068, ClinGen allele CA393697657.
Genomic context (GRCh38, chr15:98,708,074, plus strand): 5'-CCAGGGACCATGGAGGAGAAGCCGATGTGTGAGAAGACCACCATCAACAATGAGTACAAC[T>C]ACCGCTGCTGGACCACAAACCGCTGCCAGAAAAGTAAGAATGATGCTGACTGCTGCTTTC-3'
Protein context (NP_000866.1, residues 193-213): EKTTINNEYN[Tyr203His]RCWTTNRCQK

ClinVar aggregate classification (germline): Uncertain significance (1 of 4 stars; one submission).

Allele frequency attached by ClinVar (database versions not stated): gnomAD exomes 0.00001; gnomAD 0.00002; TOPMed 0.00002.
gnomAD v4.1: 18 of 1,613,814 alleles (0.0011%); highest among the groups gnomAD compares: Non-Finnish European, 0.0015%; no homozygotes.

Submission:

Labcorp Genetics (formerly Invitae), Labcorp
Classification: Uncertain significance. Last evaluated: 2023-09-15. Review status: criteria provided, single submitter. Criteria: Invitae Variant Classification Sherloc (09022015). Collection method: clinical testing. Allele origin: germline.
Comment: This sequence change replaces tyrosine, which is neutral and polar, with histidine, which is basic and polar, at codon 203 of the IGF1R protein (p.Tyr203His). This variant is not present in population databases (gnomAD no frequency). This variant has not been reported in the literature in individuals affected with IGF1R-related conditions. Advanced modeling of protein sequence and biophysical properties (such as structural, functional, and spatial information, amino acid conservation, physicochemical variation, residue mobility, and thermodynamic stability) performed at Invitae indicates that this missense variant is not expected to disrupt IGF1R protein function. In summary, the available evidence is currently insufficient to determine the role of this variant in disease. Therefore, it has been classified as a Variant of Uncertain Significance.